The following is an entry in ClinVar:

NM_018127.7(ELAC2):c.1211G>T (p.Arg404Leu)

Gene: ELAC2 (elaC ribonuclease Z 2; minus strand). Cytogenetic location: 17p12.
Variant type: single nucleotide variant.
Coding change: c.1211G>T on transcript NM_018127.7 (MANE Select); coding-DNA position 1211, G replaced by T.
Protein change: p.Arg404Leu; replaces arginine 404 with leucine.
Molecular consequence: missense variant.
Genome position (GRCh38, 1-based): chr17:13,002,448, C>A on the plus strand (G>T on the coding strand, the complement: ELAC2 is on the minus strand). VCF-style: chr17-13002448-C-A. GRCh37 (hg19) VCF-style: chr17-12905765-C-A.
Other names: c.1091G>T, p.Arg364Leu (NM_001165962.2); c.1211G>T, p.Arg404Leu (NM_173717.2); short protein forms R404L, R364L.
Identifiers: ClinVar variation 570333 (VCV000570333.4), dbSNP rs200565641, ClinGen allele CA8401323.
Genomic context (GRCh38, chr17:13,002,448, plus strand): 5'-AGAAAGAGAGGGGACGAGAGCTGGGCCGACAAGGGGCCGGTCTGAGACACTACCTTACAG[C>A]GGAAACTGGTGAGCAGGGGGAAGATGTCCGGGTGGATGAGGTTGAGCTGGGTTTGAATCT-3'
Protein context (NP_060597.4, residues 394-414): PDIFPLLTSF[Arg404Leu]CKKEGPTLSV

ClinVar aggregate classification (germline): Uncertain significance. Review status: criteria provided, single submitter (1 of 4 stars). 2 submissions from 2 submitters: Uncertain significance (1). 1 of the submissions does not count toward it. Last evaluated 2021-08-28.

Conditions:
Combined oxidative phosphorylation defect type 17. Also called: Combined oxidative phosphorylation deficiency 17. Identifiers: Orphanet 369913, MedGen C3809526, MONDO:0014190, OMIM 615440.
ELAC2-related disorder. Also called: ELAC2-related condition.

Allele frequency attached by ClinVar (database versions not stated): 1000 Genomes Project 30x 0.00016; 1000 Genomes Project 0.00020.
gnomAD v4.1: 136 of 1,612,726 alleles (0.0084%); highest among the groups gnomAD compares: South Asian, 0.14%; 1 homozygote.

Submissions (2):

Labcorp Genetics (formerly Invitae), Labcorp
Classification: Uncertain significance for Combined oxidative phosphorylation defect type 17. Last evaluated: 2021-08-28. Review status: criteria provided, single submitter. Criteria: Invitae Variant Classification Sherloc (09022015). Collection method: clinical testing. Allele origin: germline.
Comment: This sequence change replaces arginine with leucine at codon 404 of the ELAC2 protein (p.Arg404Leu). The arginine residue is weakly conserved and there is a moderate physicochemical difference between arginine and leucine. This variant is present in population databases (rs200565641, ExAC 0.1%). This variant has not been reported in the literature in individuals affected with ELAC2-related conditions. Algorithms developed to predict the effect of missense changes on protein structure and function (SIFT, PolyPhen-2, Align-GVGD) all suggest that this variant is likely to be tolerated. In summary, the available evidence is currently insufficient to determine the role of this variant in disease. Therefore, it has been classified as a Variant of Uncertain Significance.

PreventionGenetics, part of Exact Sciences
Classification: Likely benign for ELAC2-related condition. Last evaluated: 2024-04-30. Review status: no assertion criteria provided. Collection method: clinical testing. Allele origin: germline. Not counted in ClinVar's aggregate classification.
Comment: This variant is classified as likely benign based on ACMG/AMP sequence variant interpretation guidelines (Richards et al. 2015 PMID: 25741868, with internal and published modifications).